The following is an entry in ClinVar:

ClinVar aggregate classification (germline): Likely benign. Review status: criteria provided, multiple submitters, no conflicts (2 of 4 stars). 2 submissions from 2 submitters: Likely benign (2). Last evaluated 2025-11-21.

Allele frequency attached by ClinVar (database versions not stated): gnomAD 0.00005; ESP Exome Variant Server 0.00008; ExAC 0.00009.
gnomAD v4.1: 132 of 1,612,606 alleles (0.0082%); highest among the groups gnomAD compares: Middle Eastern, 0.082%; 1 homozygote.

Submissions (2):

Labcorp Genetics (formerly Invitae), Labcorp
Classification: Likely benign. Last evaluated: 2025-11-21. Review status: criteria provided, single submitter. Criteria: Invitae Variant Classification Sherloc (09022015). Collection method: clinical testing. Allele origin: germline.

Women's Health and Genetics/Laboratory Corporation of America, LabCorp
Classification: Likely benign. Last evaluated: 2023-10-27. Review status: criteria provided, single submitter. Criteria: LabCorp Variant Classification Summary - May 2015. Collection method: clinical testing. Allele origin: germline.
Comment: Variant summary: TBXAS1 c.1135-14G>A alters a non-conserved nucleotide located at a position not widely known to affect splicing. Consensus agreement among computational tools predict no significant impact on normal splicing. However, these predictions have yet to be confirmed by functional studies. The variant allele was found at a frequency of 0.00013 in 251470 control chromosomes, primarily within the Ashkenazi Jewish subpopulation in the gnomAD database at a frequency of 0.019, suggesting it may be a benign polymorphism found most commonly in individuals of Ashkenazi Jewish ancestry. To our knowledge, no occurrence of c.1135-14G>A in individuals affected with Ghosal Hematodiaphyseal Dysplasia and no experimental evidence demonstrating its impact on protein function have been reported. One submitter has cited a clinical-significance assessment for this variant to ClinVar after 2014 and has classified the variant as likely benign. Based on the evidence outlined above, the variant was classified as likely benign.

NM_001061.7(TBXAS1):c.1135-14G>A

Gene: TBXAS1 (thromboxane A synthase 1; plus strand). Cytogenetic location: 7q34.
Variant type: single nucleotide variant.
Coding change: c.1135-14G>A on transcript NM_001061.7 (MANE Select); 14 bases into the intron before coding-DNA position 1135, G replaced by A.
Molecular consequence: intron variant.
Genome position (GRCh38, 1-based): chr7:140,007,077, G>A. VCF-style: chr7-140007077-G-A. GRCh37 (hg19) VCF-style: chr7-139706877-G-A.
Other names: c.1135-14G>A (NM_001130966.5, NM_030984.6); c.934-14G>A (NM_001166254.4); c.1078-14G>A (NM_001314028.4); c.1273-14G>A (NM_001166253.4); c.952-14G>A (NM_001366537.3).
Identifiers: ClinVar variation 1987820 (VCV001987820.5), dbSNP rs200117799, ClinGen allele CA4511908.